The following is an entry in ClinVar:

ClinVar aggregate classification (germline): Uncertain significance (0 of 4 stars; one submission).

Conditions:
HS6ST2-related disorder. Also called: HS6ST2-related condition.

Allele frequency attached by ClinVar (database versions not stated): gnomAD exomes below 0.00001.
gnomAD v4.1: 2 of 1,173,356 alleles (0.00017%); highest among the groups gnomAD compares: South Asian, 0.0039%; no homozygotes.

Submission:

PreventionGenetics, part of Exact Sciences
Classification: Uncertain significance for HS6ST2-related condition. Last evaluated: 2024-02-26. Review status: no assertion criteria provided. Collection method: clinical testing. Allele origin: germline.
Comment: The HS6ST2 c.14C>A variant is predicted to result in the amino acid substitution p.Ala5Glu. To our knowledge, this variant has not been reported in the literature or in a large population database, indicating this variant is rare. At this time, the clinical significance of this variant is uncertain due to the absence of conclusive functional and genetic evidence.

NM_001394073.1(HS6ST2):c.14C>A (p.Ala5Glu)

Gene: HS6ST2 (heparan sulfate 6-O-sulfotransferase 2; minus strand). Cytogenetic location: Xq26.2.
Variant type: single nucleotide variant.
Coding change: c.14C>A on transcript NM_001394073.1 (MANE Select); coding-DNA position 14, C replaced by A.
Protein change: p.Ala5Glu; replaces alanine 5 with glutamic acid.
Molecular consequence: missense variant.
Genome position (GRCh38, 1-based): chrX:132,958,589, G>T on the plus strand (C>A on the coding strand, the complement: HS6ST2 is on the minus strand). VCF-style: chrX-132958589-G-T. GRCh37 (hg19) VCF-style: chrX-132092617-G-T.
Other names: c.14C>A, p.Ala5Glu (NM_001077188.2, NM_001394074.1, NM_147175.4); short protein forms A5E.
Identifiers: ClinVar variation 3061204 (VCV003061204.2), dbSNP rs2524066109, ClinGen allele CA414690563.